The following is an entry in ClinVar:

NM_000540.3(RYR1):c.12238G>A (p.Val4080Ile)

Gene: RYR1 (ryanodine receptor 1; plus strand). Cytogenetic location: 19q13.2.
Variant type: single nucleotide variant.
Coding change: c.12238G>A on transcript NM_000540.3 (MANE Select); coding-DNA position 12238, G replaced by A.
Protein change: p.Val4080Ile; replaces valine 4080 with isoleucine.
Molecular consequence: missense variant.
Genome position (GRCh38, 1-based): chr19:38,548,376, G>A. VCF-style: chr19-38548376-G-A. GRCh37 (hg19) VCF-style: chr19-39039016-G-A.
Other names: c.12223G>A, p.Val4075Ile (NM_001042723.2); short protein forms V4075I, V4080I.
Identifiers: ClinVar variation 1305096 (VCV001305096.3), dbSNP rs1293266518, ClinGen allele CA405665863.

ClinVar aggregate classification (germline): Uncertain significance. Review status: criteria provided, multiple submitters, no conflicts (2 of 4 stars). 2 submissions from 2 submitters: Uncertain significance (2). Last evaluated 2022-07-11.

Conditions:
RYR1-related disorder. Also called: RYR1-related condition; RYR1-related disorders. Identifiers: MedGen CN239331.

Allele frequency attached by ClinVar (database versions not stated): TOPMed below 0.00001.
gnomAD v4.1: 6 of 1,614,132 alleles (0.00037%); highest among the groups gnomAD compares: South Asian, 0.0011%; no homozygotes.

Submissions (2):

Labcorp Genetics (formerly Invitae), Labcorp
Classification: Uncertain significance for RYR1-related disorder. Last evaluated: 2022-07-11. Review status: criteria provided, single submitter. Criteria: Invitae Variant Classification Sherloc (09022015). Collection method: clinical testing. Allele origin: germline.
Comment: This sequence change replaces valine, which is neutral and non-polar, with isoleucine, which is neutral and non-polar, at codon 4080 of the RYR1 protein (p.Val4080Ile). This variant is not present in population databases (gnomAD no frequency). This variant has not been reported in the literature in individuals affected with RYR1-related conditions. ClinVar contains an entry for this variant (Variation ID: 1305096). Advanced modeling of protein sequence and biophysical properties (such as structural, functional, and spatial information, amino acid conservation, physicochemical variation, residue mobility, and thermodynamic stability) performed at Invitae indicates that this missense variant is not expected to disrupt RYR1 protein function. In summary, the available evidence is currently insufficient to determine the role of this variant in disease. Therefore, it has been classified as a Variant of Uncertain Significance.

GeneDx
Classification: Uncertain significance. Last evaluated: 2019-04-11. Review status: criteria provided, single submitter. Criteria: GeneDx Variant Classification Process June 2021. Collection method: clinical testing. Allele origin: germline. Affected: yes.
Comment: Not observed at significant frequency in large population cohorts (Lek et al., 2016); In silico analysis, which includes protein predictors and evolutionary conservation, supports that this variant does not alter protein structure/function; Has not been previously published as pathogenic or benign to our knowledge